The following is an entry in ClinVar:

ClinVar aggregate classification (germline): Uncertain significance (1 of 4 stars; one submission).

Allele frequency attached by ClinVar (database versions not stated): gnomAD exomes below 0.00001; TOPMed below 0.00001.

Submission:

Labcorp Genetics (formerly Invitae), Labcorp
Classification: Uncertain significance. Last evaluated: 2024-01-29. Review status: criteria provided, single submitter. Criteria: Invitae Variant Classification Sherloc (09022015). Collection method: clinical testing. Allele origin: germline.
Comment: This sequence change replaces arginine, which is basic and polar, with glutamine, which is neutral and polar, at codon 260 of the HMX1 protein (p.Arg260Gln). This variant is not present in population databases (gnomAD no frequency). This variant has not been reported in the literature in individuals affected with HMX1-related conditions. ClinVar contains an entry for this variant (Variation ID: 2089804). Advanced modeling of protein sequence and biophysical properties (such as structural, functional, and spatial information, amino acid conservation, physicochemical variation, residue mobility, and thermodynamic stability) performed at Invitae indicates that this missense variant is expected to disrupt HMX1 protein function with a positive predictive value of 80%. In summary, the available evidence is currently insufficient to determine the role of this variant in disease. Therefore, it has been classified as a Variant of Uncertain Significance.

NM_018942.3(HMX1):c.779G>A (p.Arg260Gln)

Gene: HMX1 (H6 family homeobox 1; minus strand). Cytogenetic location: 4p16.1.
Variant type: single nucleotide variant.
Coding change: c.779G>A on transcript NM_018942.3 (MANE Select); coding-DNA position 779, G replaced by A.
Protein change: p.Arg260Gln; replaces arginine 260 with glutamine.
Molecular consequence: missense variant. On other transcripts: intron variant (1).
Genome position (GRCh38, 1-based): chr4:8,867,961, C>T on the plus strand (G>A on the coding strand, the complement: HMX1 is on the minus strand). VCF-style: chr4-8867961-C-T. GRCh37 (hg19) VCF-style: chr4-8869687-C-T.
Other names: c.394+3260G>A (NM_001306142.2); short protein forms R260Q.
Identifiers: ClinVar variation 2089804 (VCV002089804.4), dbSNP rs1157874949, ClinGen allele CA356277827.